The following is an entry in ClinVar:

NM_000388.4(CASR):c.1748A>G (p.Asn583Ser)

Gene: CASR (calcium sensing receptor; plus strand). Cytogenetic location: 3q21.1.
Variant type: single nucleotide variant.
Coding change: c.1748A>G on transcript NM_000388.4 (MANE Select); coding-DNA position 1748, A replaced by G.
Protein change: p.Asn583Ser; replaces asparagine 583 with serine.
Molecular consequence: missense variant.
Genome position (GRCh38, 1-based): chr3:122,283,702, A>G. VCF-style: chr3-122283702-A-G. GRCh37 (hg19) VCF-style: chr3-122002549-A-G.
Other names: c.1778A>G, p.Asn593Ser (NM_001178065.2); short protein forms N583S, N593S.
Identifiers: ClinVar variation 998834 (VCV000998834.9), dbSNP rs2074920846, ClinGen allele CA354157134.
Genomic context (GRCh38, chr3:122,283,702, plus strand): 5'-GTCTGTGCCACACAATAACTCACTCTTCACTGGGACATTTTACAGATGCCAGTGCCTGTA[A>G]CAAGTGCCCAGATGACTTCTGGTCCAATGAGAACCACACCTCCTGCATTGCCAAGGAGAT-3'
Protein context (NP_000379.3, residues 573-593): YSDETDASAC[Asn583Ser]KCPDDFWSNE

ClinVar aggregate classification (germline): Uncertain significance (1 of 4 stars; one submission).

Conditions:
Familial hypocalciuric hypercalcemia (FHH). Also called: Familial benign hypercalcemia. Identifiers: Orphanet 405, MedGen C1809471, MONDO:0018458.
Autosomal dominant hypocalcemia 1 (HYPOC1). Also called: HYPOCALCEMIA, FAMILIAL. Identifiers: MedGen C3715128, MONDO:0011013, OMIM 601198.

Allele frequency attached by ClinVar (database versions not stated): gnomAD exomes below 0.00001.
gnomAD v4.1: 3 of 1,614,080 alleles (0.00019%); highest among the groups gnomAD compares: African/African-American, 0.004%; no homozygotes.

Submission:

Labcorp Genetics (formerly Invitae), Labcorp
Classification: Uncertain significance for Familial hypocalciuric hypercalcemia; Autosomal dominant hypocalcemia 1. Last evaluated: 2020-03-17. Review status: criteria provided, single submitter. Criteria: Invitae Variant Classification Sherloc (09022015). Collection method: clinical testing. Allele origin: germline.
Comment: This sequence change replaces asparagine with serine at codon 583 of the CASR protein (p.Asn583Ser). The asparagine residue is weakly conserved and there is a small physicochemical difference between asparagine and serine. This variant is not present in population databases (ExAC no frequency). This variant has not been reported in the literature in individuals with CASR-related conditions. Algorithms developed to predict the effect of missense changes on protein structure and function (SIFT, PolyPhen-2, Align-GVGD) all suggest that this variant is likely to be tolerated, but these predictions have not been confirmed by published functional studies and their clinical significance is uncertain. In summary, the available evidence is currently insufficient to determine the role of this variant in disease. Therefore, it has been classified as a Variant of Uncertain Significance.